The following is an entry in ClinVar:

NM_022455.5(NSD1):c.-18+423C>T

Gene: NSD1 (nuclear receptor binding SET domain protein 1; plus strand). Cytogenetic location: 5q35.3.
Variant type: single nucleotide variant.
Coding change: c.-18+423C>T on transcript NM_022455.5 (MANE Select); 423 bases into the intron after 18 bases upstream of the start codon, C replaced by T.
Molecular consequence: intron variant.
Genome position (GRCh38, 1-based): chr5:177,134,375, C>T. VCF-style: chr5-177134375-C-T. GRCh37 (hg19) VCF-style: chr5-176561376-C-T.
Other names: c.-17-712C>T (NM_001409301.1, NM_001409304.1, NM_001409302.1 and 1 more transcripts); c.-150-712C>T (NM_001409305.1, NM_001409306.1, NM_001409308.1 and 3 more transcripts); c.-151+130C>T (NM_001365684.2).
Identifiers: ClinVar variation 4881041 (VCV004881041.2).
Genomic context (GRCh38, chr5:177,134,375, plus strand): 5'-GAGAGCGATCGGCTCGGCTGGGAGGTGCTGCCGCGGCTGCGGGAAGGAGCGCGGCCCGGG[C>T]AGGCGGCGGCGGCGTCGGCAGCAGCCATGTTTTTCGAGCTGTAGCAGCTGCTGCTACCCT-3'

ClinVar aggregate classification (germline): Uncertain significance (1 of 4 stars; one submission).

Conditions:
Sotos syndrome (SOTOS). Also called: CEREBRAL GIGANTISM; Sotos' syndrome; Distinctive facial appearance, overgrowth in childhood, and learning disabilities or delayed development; CHROMOSOME 5q35 DELETION SYNDROME; SOTOS SYNDROME 1. Identifiers: Orphanet 821, MedGen C0175695, MONDO:0019349, OMIM 117550.

Submission:

Dasa
Classification: Uncertain significance for Sotos syndrome. Last evaluated: 2026-02-05. Review status: criteria provided, single submitter. Criteria: DASA Assertion Criteria. Collection method: clinical testing. Allele origin: germline.
Comment: NM_022455.5(NSD1):c.-18+423C>T is an intronic variant. This variant is absent from population databases. Computational prediction algorithms are consistent with a deleterious effect. The currently available literature and clinical evidence are not sufficient to establish a definitive association between this variant and the reported condition. Therefore, this variant is classified as a variant of uncertain significance.